The following is an entry in ClinVar:

ClinVar aggregate classification (germline): Uncertain significance (1 of 4 stars; one submission).

gnomAD v4.1: 2 of 1,604,322 alleles (0.00012%); highest among the groups gnomAD compares: Admixed American, 0.0017%; no homozygotes.

Submission:

Labcorp Genetics (formerly Invitae), Labcorp
Classification: Uncertain significance. Last evaluated: 2026-01-27. Review status: criteria provided, single submitter. Criteria: Invitae Variant Classification Sherloc (09022015). Collection method: clinical testing. Allele origin: germline.
Comment: This sequence change replaces serine, which is neutral and polar, with phenylalanine, which is neutral and non-polar, at codon 272 of the POLE2 protein (p.Ser272Phe). The frequency data for this variant in the population databases is considered unreliable, as metrics indicate poor data quality at this position in the gnomAD database. This variant has not been reported in the literature in individuals affected with POLE2-related conditions. An algorithm developed to predict the effect of missense changes on protein structure and function (PolyPhen-2) suggests that this variant is likely to be disruptive. In summary, the available evidence is currently insufficient to determine the role of this variant in disease. Therefore, it has been classified as a Variant of Uncertain Significance.

NM_002692.4(POLE2):c.815C>T (p.Ser272Phe)

Gene: POLE2 (DNA polymerase epsilon 2, accessory subunit; minus strand). Cytogenetic location: 14q21.3.
Variant type: single nucleotide variant.
Coding change: c.815C>T on transcript NM_002692.4 (MANE Select); coding-DNA position 815, C replaced by T.
Protein change: p.Ser272Phe; replaces serine 272 with phenylalanine.
Molecular consequence: missense variant.
Genome position (GRCh38, 1-based): chr14:49,655,784, G>A on the plus strand (C>T on the coding strand, the complement: POLE2 is on the minus strand). VCF-style: chr14-49655784-G-A. GRCh37 (hg19) VCF-style: chr14-50122502-G-A.
Other names: c.737C>T, p.Ser246Phe (NM_001197330.2); c.815C>T, p.Ser272Phe (NM_001197331.3, NM_001348384.2); c.584C>T, p.Ser195Phe (NM_001348385.2); short protein forms S272F, S195F, S246F.
Identifiers: ClinVar variation 4697560 (VCV004697560.1).